The following is an entry in ClinVar:

ClinVar aggregate classification (germline): Uncertain significance (1 of 4 stars; one submission).

Submission:

Labcorp Genetics (formerly Invitae), Labcorp
Classification: Uncertain significance. Last evaluated: 2022-07-19. Review status: criteria provided, single submitter. Criteria: Invitae Variant Classification Sherloc (09022015). Collection method: clinical testing. Allele origin: germline.
Comment: In summary, the available evidence is currently insufficient to determine the role of this variant in disease. Therefore, it has been classified as a Variant of Uncertain Significance. Algorithms developed to predict the effect of missense changes on protein structure and function are either unavailable or do not agree on the potential impact of this missense change (SIFT: "Deleterious"; PolyPhen-2: "Not Available"; Align-GVGD: "Class C0"). ClinVar contains an entry for this variant (Variation ID: 1444573). This variant has not been reported in the literature in individuals affected with ARL2BP-related conditions. This variant is not present in population databases (gnomAD no frequency). This sequence change replaces glutamic acid, which is acidic and polar, with glycine, which is neutral and non-polar, at codon 5 of the ARL2BP protein (p.Glu5Gly).

NM_012106.4(ARL2BP):c.14A>G (p.Glu5Gly)

Gene: ARL2BP (ARF like GTPase 2 binding protein; plus strand). Cytogenetic location: 16q13.
Variant type: single nucleotide variant.
Coding change: c.14A>G on transcript NM_012106.4 (MANE Select); coding-DNA position 14, A replaced by G.
Protein change: p.Glu5Gly; replaces glutamic acid 5 with glycine.
Molecular consequence: missense variant.
Genome position (GRCh38, 1-based): chr16:57,245,381, A>G. VCF-style: chr16-57245381-A-G. GRCh37 (hg19) VCF-style: chr16-57279293-A-G.
Other names: short protein forms E5G.
Identifiers: ClinVar variation 1444573 (VCV001444573.6), dbSNP rs2146424840, ClinGen allele CA396023883.